The following is an entry in ClinVar:

ClinVar aggregate classification (germline): Uncertain significance. Review status: criteria provided, multiple submitters, no conflicts (2 of 4 stars). 2 submissions from 2 submitters: Uncertain significance (2). Last evaluated 2025-12-19.

Conditions:
Retinal dystrophy. Also called: Inherited retinal dystrophy. Identifiers: Orphanet 71862, MedGen C0854723, MeSH D058499, MONDO:0019118, HP:0000556.

Allele frequency attached by ClinVar (database versions not stated): gnomAD exomes 0.00001.

Submissions (2):

Labcorp Genetics (formerly Invitae), Labcorp
Classification: Uncertain significance. Last evaluated: 2025-12-19. Review status: criteria provided, single submitter. Criteria: Invitae Variant Classification Sherloc (09022015). Collection method: clinical testing. Allele origin: germline.
Comment: This sequence change replaces arginine, which is basic and polar, with glutamine, which is neutral and polar, at codon 352 of the ZNF408 protein (p.Arg352Gln). This variant is not present in population databases (gnomAD no frequency). This variant has not been reported in the literature in individuals affected with ZNF408-related conditions. ClinVar contains an entry for this variant (Variation ID: 3028202). An algorithm developed to predict the effect of missense changes on protein structure and function outputs the following: PolyPhen-2: "Benign". The glutamine amino acid residue is found in multiple mammalian species, which suggests that this missense change does not adversely affect protein function. In summary, the available evidence is currently insufficient to determine the role of this variant in disease. Therefore, it has been classified as a Variant of Uncertain Significance.

Dept Of Ophthalmology, Nagoya University
Classification: Uncertain significance for Retinal dystrophy. Last evaluated: 2023-10-01. Review status: criteria provided, single submitter. Criteria: Submitter's publication. Collection method: research. Allele origin: germline. Affected: yes.

NM_024741.3(ZNF408):c.1055G>A (p.Arg352Gln)

Gene: ZNF408 (zinc finger protein 408; plus strand). Cytogenetic location: 11p11.2.
Variant type: single nucleotide variant.
Coding change: c.1055G>A on transcript NM_024741.3 (MANE Select); coding-DNA position 1055, G replaced by A.
Protein change: p.Arg352Gln; replaces arginine 352 with glutamine.
Molecular consequence: missense variant.
Genome position (GRCh38, 1-based): chr11:46,704,755, G>A. VCF-style: chr11-46704755-G-A. GRCh37 (hg19) VCF-style: chr11-46726305-G-A.
Other names: c.1031G>A, p.Arg344Gln (NM_001184751.2); short protein forms R344Q, R352Q.
Identifiers: ClinVar variation 3028202 (VCV003028202.2), dbSNP rs2064738107, ClinGen allele CA380254729.